The following is an entry in ClinVar:

ClinVar aggregate classification (germline): Benign. Review status: criteria provided, multiple submitters, no conflicts (2 of 4 stars). 4 submissions from 4 submitters: Benign (3). 1 of the submissions does not count toward it. Last evaluated 2026-06-01.

Conditions:
PITRM1-related disorder. Also called: PITRM1-related condition.

Allele frequency attached by ClinVar (database versions not stated): gnomAD 0.00506 and 0.00555; TOPMed 0.00535; ESP Exome Variant Server 0.00595; 1000 Genomes Project 30x 0.00640; 1000 Genomes Project 0.00679; gnomAD exomes 0.00777; ExAC 0.01236.
gnomAD v4.1: 12,689 of 1,562,510 alleles (0.81%); highest among the groups gnomAD compares: Middle Eastern, 2.5%; 90 homozygotes.

Submissions (4):

CeGaT Center for Human Genetics Tuebingen
Classification: Benign. Last evaluated: 2026-06-01. Review status: criteria provided, single submitter. Criteria: CeGaT Center For Human Genetics Tuebingen Variant Classification Criteria Version 2. Collection method: clinical testing. Allele origin: germline. Affected: yes. Observed: 24 variant alleles.
Comment: PITRM1: BP4, BP7, BS1, BS2

Labcorp Genetics (formerly Invitae), Labcorp
Classification: Benign. Last evaluated: 2026-01-20. Review status: criteria provided, single submitter. Criteria: Invitae Variant Classification Sherloc (09022015). Collection method: clinical testing. Allele origin: germline.

Breakthrough Genomics
Classification: Benign. Review status: criteria provided, single submitter. Criteria: ACMG Guidelines, 2015. Collection method: not provided. Allele origin: germline. Inheritance: Autosomal recessive inheritance. Affected: yes.

PreventionGenetics, part of Exact Sciences
Classification: Benign for PITRM1-related condition. Last evaluated: 2019-11-25. Review status: no assertion criteria provided. Collection method: clinical testing. Allele origin: germline. Not counted in ClinVar's aggregate classification.
Comment: This variant is classified as benign based on ACMG/AMP sequence variant interpretation guidelines (Richards et al. 2015 PMID: 25741868, with internal and published modifications).

NM_014889.4(PITRM1):c.2490C>G (p.Ala830=)

Genes: PITRM1 (pitrilysin metallopeptidase 1; minus strand), PITRM1-AS1 (PITRM1 antisense RNA 1; plus strand). Cytogenetic location: 10p15.2.
Variant type: single nucleotide variant.
Coding change: c.2490C>G on transcript NM_014889.4 (MANE Select); coding-DNA position 2490, C replaced by G.
Protein change: p.Ala830=; no amino-acid change (alanine 830 retained).
Molecular consequence: synonymous variant. On other transcripts: non-coding transcript variant (4).
Genome position (GRCh38, 1-based): chr10:3,144,334, G>C on the plus strand (C>G on the coding strand, the complement: PITRM1 is on the minus strand). VCF-style: chr10-3144334-G-C. GRCh37 (hg19) VCF-style: chr10-3186526-G-C.
Other names: c.2493C>G (NM_001242307.1); c.2493C>G, p.Ala831= (NM_001242307.2); c.2196C>G, p.Ala732= (NM_001242309.1); c.2292C>G, p.Ala764= (NM_001347725.2); c.1677C>G, p.Ala559= (NM_001347726.2); c.1875C>G, p.Ala625= (NM_001347727.2); c.1185C>G, p.Ala395= (NM_001347728.2); c.2466C>G, p.Ala822= (NM_001347729.1); and 1 more.
Identifiers: ClinVar variation 1666348 (VCV001666348.38), dbSNP rs59654932, ClinGen allele CA5387395.